The following is an entry in ClinVar:

ClinVar aggregate classification (germline): Likely pathogenic (1 of 4 stars; one submission).

Conditions:
Rubinstein-Taybi syndrome due to EP300 haploinsufficiency. Also called: RUBINSTEIN-TAYBI SYNDROME 2; EP300-Related Rubinstein-Taybi Syndrome. Identifiers: Orphanet 353284, Orphanet 783, MedGen C3150941, MONDO:0013364, OMIM 613684.

Submission:

Gansu Provincial Maternity and Child Care Hospital
Classification: Likely pathogenic for Rubinstein-Taybi syndrome due to EP300 haploinsufficiency. Last evaluated: 2021-11-11. Review status: criteria provided, single submitter. Criteria: ACMG Guidelines, 2015. Collection method: clinical testing. Allele origin: de novo. Inheritance: Autosomal dominant inheritance. Affected: yes.
Comment: Parental verification confirmed it as a de novo variant (PS2). This site is not recorded in the gnomAD database (PM2).This variant is classified as Likely pathogenic.

NM_001429.4(EP300):c.2582C>T (p.Ala861Val)

Gene: EP300 (EP300 lysine acetyltransferase; plus strand). Cytogenetic location: 22q13.2.
Variant type: single nucleotide variant.
Coding change: c.2582C>T on transcript NM_001429.4 (MANE Select); coding-DNA position 2582, C replaced by T.
Protein change: p.Ala861Val; replaces alanine 861 with valine.
Molecular consequence: missense variant.
Genome position (GRCh38, 1-based): chr22:41,149,963, C>T. VCF-style: chr22-41149963-C-T. GRCh37 (hg19) VCF-style: chr22-41545967-C-T.
Other names: c.2504C>T, p.Ala835Val (NM_001362843.2); short protein forms A835V, A861V.
Identifiers: ClinVar variation 4823916 (VCV004823916.1).
Genomic context (GRCh38, chr22:41,149,963, plus strand): 5'-CCCCTCACCATACTCCCCCAAGCATAGGGGCTCAGCAGCCACCAGCAACAACAATTCCAG[C>T]CCCTGTTCCTACACCTCCTGCCATGCCACCTGGGCCACAGTCCCAGGCTCTACATCCCCC-3'
Protein context (NP_001420.2, residues 851-871): AQQPPATTIP[Ala861Val]PVPTPPAMPP